The following is an entry in ClinVar:

ClinVar aggregate classification (germline): Uncertain significance. Review status: criteria provided, multiple submitters, no conflicts (2 of 4 stars). 2 submissions from 2 submitters: Uncertain significance (2). Last evaluated 2025-02-12.

Conditions:
Hereditary cancer-predisposing syndrome. Also called: Tumor predisposition; Neoplastic Syndromes, Hereditary; Hereditary Cancer Syndrome; Hereditary neoplastic syndrome. Identifiers: Orphanet 140162, MedGen C0027672, MeSH D009386, MONDO:0015356.
Ataxia-telangiectasia syndrome (AT). Also called: Cerebello-oculocutaneous telangiectasia; Immunodeficiency with ataxia telangiectasia; ATAXIA-TELANGIECTASIA, COMPLEMENTATION GROUP A; Ataxia-telangiectasia, complementation group D; AT, COMPLEMENTATION GROUP C; ATAXIA-TELANGIECTASIA, FRESNO VARIANT. Identifiers: Orphanet 100, MedGen C0004135, MONDO:0008840, OMIM 208900.

Submissions (2):

Ambry Genetics
Classification: Uncertain significance for Hereditary cancer-predisposing syndrome. Last evaluated: 2025-02-12. Review status: criteria provided, single submitter. Criteria: Ambry Variant Classification Scheme 2023. Collection method: clinical testing. Allele origin: germline.
Comment: The p.C117Y variant (also known as c.350G>A), located in coding exon 4 of the ATM gene, results from a G to A substitution at nucleotide position 350. The cysteine at codon 117 is replaced by tyrosine, an amino acid with highly dissimilar properties. This amino acid position is highly conserved in available vertebrate species. In addition, this alteration is predicted to be deleterious by in silico analysis. Based on the available evidence, the clinical significance of this variant remains unclear.

Labcorp Genetics (formerly Invitae), Labcorp
Classification: Uncertain significance for Ataxia-telangiectasia syndrome. Last evaluated: 2024-05-15. Review status: criteria provided, single submitter. Criteria: Invitae Variant Classification Sherloc (09022015). Collection method: clinical testing. Allele origin: germline.
Comment: This sequence change replaces cysteine, which is neutral and slightly polar, with tyrosine, which is neutral and polar, at codon 117 of the ATM protein (p.Cys117Tyr). This variant is not present in population databases (gnomAD no frequency). This variant has not been reported in the literature in individuals affected with ATM-related conditions. ClinVar contains an entry for this variant (Variation ID: 478989). An algorithm developed to predict the effect of missense changes on protein structure and function (PolyPhen-2) suggests that this variant is likely to be disruptive. In summary, the available evidence is currently insufficient to determine the role of this variant in disease. Therefore, it has been classified as a Variant of Uncertain Significance.

NM_000051.4(ATM):c.350G>A (p.Cys117Tyr)

Gene: ATM (ATM serine/threonine kinase; plus strand). Cytogenetic location: 11q22.3.
Variant type: single nucleotide variant.
Coding change: c.350G>A on transcript NM_000051.4 (MANE Select); coding-DNA position 350, G replaced by A.
Protein change: p.Cys117Tyr; replaces cysteine 117 with tyrosine.
Molecular consequence: missense variant.
Genome position (GRCh38, 1-based): chr11:108,235,688, G>A. VCF-style: chr11-108235688-G-A. GRCh37 (hg19) VCF-style: chr11-108106415-G-A.
Other names: c.350G>A, p.Cys117Tyr (NM_001351834.2); short protein forms C117Y.
Identifiers: ClinVar variation 478989 (VCV000478989.14), dbSNP rs1555059066, ClinGen allele CA382524584.